The following is an entry in ClinVar:

NM_000530.8(MPZ):c.*743C>T

Gene: MPZ (myelin protein zero; minus strand). Cytogenetic location: 1q23.3.
Variant type: single nucleotide variant.
Coding change: c.*743C>T on transcript NM_000530.8 (MANE Select); 743 bases downstream of the stop codon, C replaced by T.
Molecular consequence: 3 prime UTR variant.
Genome position (GRCh38, 1-based): chr1:161,305,133, G>A on the plus strand (C>T on the coding strand, the complement: MPZ is on the minus strand). VCF-style: chr1-161305133-G-A. GRCh37 (hg19) VCF-style: chr1-161274923-G-A.
Other names: c.*743C>T (LRG_256t1); c.*551C>T (NM_001315491.2).
Identifiers: ClinVar variation 293305 (VCV000293305.6), dbSNP rs140992541, ClinGen allele CA10608531.

ClinVar aggregate classification (germline): Conflicting classifications of pathogenicity. Review status: criteria provided, conflicting classifications (1 of 4 stars). 4 submissions from 1 submitter: Uncertain significance (1); Benign (3). Last evaluated 2018-01-13.

Conditions:
Neuropathy, congenital hypomyelinating, 2. Identifiers: MedGen C4722277, MONDO:0020765, OMIM 618184.
Charcot-Marie-Tooth disease dominant intermediate D. Also called: CHARCOT-MARIE-TOOTH NEUROPATHY, DOMINANT INTERMEDIATE D; Charcot-Marie-Tooth disease dominant intermediate 3; CMT DI3. Identifiers: Orphanet 100046, MedGen C1843075, MONDO:0011909, OMIM 607791.
Charcot-Marie-Tooth disease type 1B. Also called: CHARCOT-MARIE-TOOTH DISEASE, AUTOSOMAL DOMINANT, WITH FOCALLY FOLDED MYELIN SHEATHS, TYPE 1B; CHARCOT-MARIE-TOOTH DISEASE, SLOW NERVE CONDUCTION TYPE, LINKED TO DUFFY; CHARCOT-MARIE-TOOTH NEUROPATHY, TYPE 1B; HEREDITARY MOTOR AND SENSORY NEUROPATHY I; HEREDITARY MOTOR AND SENSORY NEUROPATHY IB; PERONEAL MUSCULAR ATROPHY. Identifiers: Orphanet 101082, MedGen C0270912, MONDO:0007307, OMIM 118200.
Roussy-Lévy syndrome. Also called: Roussy-Levy Syndrome; Roussy Levy hereditary areflexic dystasia; Roussy-Levy disease; Hereditary areflexic dystasia. Identifiers: Orphanet 3115, MedGen C0205713, MONDO:0008392, OMIM 180800.

Allele frequency attached by ClinVar (database versions not stated): gnomAD 0.00031 and 0.00038; TOPMed 0.00047; 1000 Genomes Project 0.00140; 1000 Genomes Project 30x 0.00141.

Submissions (4):

Illumina Laboratory Services, Illumina
Classification: Benign for Roussy-Lévy syndrome. Last evaluated: 2018-01-13. Review status: criteria provided, single submitter. Criteria: ICSL Variant Classification Criteria 13 December 2019. Collection method: clinical testing. Allele origin: germline.
Comment: This variant was observed in the ICSL laboratory as part of a predisposition screen in an ostensibly healthy population. It had not been previously curated by ICSL or reported in the Human Gene Mutation Database (HGMD: prior to June 1st, 2018), and was therefore a candidate for classification through an automated scoring system. Utilizing variant allele frequency, disease prevalence and penetrance estimates, and inheritance mode, an automated score was calculated to assess if this variant is too frequent to cause the disease. Based on the score and internal cut-off values, a variant classified as benign is not then subjected to further curation. The score for this variant resulted in a classification of benign for this disease.

Illumina Laboratory Services, Illumina
Classification: Benign for Charcot-Marie-Tooth disease dominant intermediate D. Last evaluated: 2018-01-13. Review status: criteria provided, single submitter. Criteria: ICSL Variant Classification Criteria 13 December 2019. Collection method: clinical testing. Allele origin: germline.
Comment: the same text as in the submission from Illumina Laboratory Services, Illumina above.

Illumina Laboratory Services, Illumina
Classification: Uncertain significance for Neuropathy, congenital hypomyelinating, 2. Last evaluated: 2018-01-13. Review status: criteria provided, single submitter. Criteria: ICSL Variant Classification Criteria 13 December 2019. Collection method: clinical testing. Allele origin: germline.

Illumina Laboratory Services, Illumina
Classification: Benign for Charcot-Marie-Tooth disease type 1B. Last evaluated: 2018-01-13. Review status: criteria provided, single submitter. Criteria: ICSL Variant Classification Criteria 13 December 2019. Collection method: clinical testing. Allele origin: germline.
Comment: the same text as in the submission from Illumina Laboratory Services, Illumina above.